The following is an entry in ClinVar:

NM_001267550.2(TTN):c.96198C>G (p.Ser32066Arg)

Genes: TTN (titin; minus strand), TTN-AS1 (TTN antisense RNA 1; plus strand), LOC126806421 (CDK7 strongly-dependent group 2 enhancer GRCh37_chr2:179407630-179408829; plus strand). Cytogenetic location: 2q31.2.
Variant type: single nucleotide variant.
Coding change: c.96198C>G on transcript NM_001267550.2 (MANE Select); coding-DNA position 96198, C replaced by G.
Protein change: p.Ser32066Arg; replaces serine 32066 with arginine.
Molecular consequence: missense variant.
Genome position (GRCh38, 1-based): chr2:178,543,946, G>C on the plus strand (C>G on the coding strand, the complement: TTN is on the minus strand). VCF-style: chr2-178543946-G-C. GRCh37 (hg19) VCF-style: chr2-179408673-G-C.
Other names: c.91275C>G, p.Ser30425Arg (NM_001256850.1); c.69003C>G, p.Ser23001Arg (NM_003319.4); c.88494C>G, p.Ser29498Arg (NM_133378.4); c.69378C>G, p.Ser23126Arg (NM_133432.3); c.69579C>G, p.Ser23193Arg (NM_133437.4); short protein forms S32066R, S23001R, S23126R, S23193R, S29498R, S30425R.
Identifiers: ClinVar variation 567738 (VCV000567738.2), dbSNP rs747323263, ClinGen allele CA1986804.

ClinVar aggregate classification (germline): Uncertain significance. Review status: criteria provided, multiple submitters, no conflicts (2 of 4 stars). 2 submissions from 2 submitters: Uncertain significance (2). Last evaluated 2021-08-13.

Conditions:
Autosomal recessive limb-girdle muscular dystrophy type 2J (LGMDR10). Also called: MUSCULAR DYSTROPHY, LIMB-GIRDLE, AUTOSOMAL RECESSIVE 10; Limb-girdle muscular dystrophy, type 2J. Identifiers: Orphanet 140922, MedGen C1837342, MONDO:0012127, OMIM 608807.
Dilated cardiomyopathy 1G (CMD1G). Identifiers: Orphanet 154, MedGen C1858763, MONDO:0011400, OMIM 604145.
Hypertrophic cardiomyopathy 9. Also called: Familial hypertrophic cardiomyopathy 9. Identifiers: MedGen C1861065, MONDO:0013412, OMIM 613765.
Tibial muscular dystrophy (TMD). Also called: Tibial muscular dystrophy, tardive; Udd Distal Myopathy – Tibial Muscular Dystrophy; UDD MYOPATHY. Identifiers: Orphanet 609, MedGen C1838244, MONDO:0010870, OMIM 600334.
Early-onset myopathy with fatal cardiomyopathy (CMYO5). Also called: CONGENITAL MYOPATHY 5 WITH CARDIOMYOPATHY; Salih Myopathy. Identifiers: Orphanet 289377, MedGen C2673677, MONDO:0012714, OMIM 611705. Disease mechanism: loss of function.
Myopathy, myofibrillar, 9, with early respiratory failure (MFM9). Also called: Myopathy, distal, with early respiratory failure, autosomal dominant; Hereditary myopathy with early respiratory failure; EDSTROM MYOPATHY; MYOPATHY, PROXIMAL, WITH EARLY RESPIRATORY MUSCLE INVOLVEMENT. Identifiers: Orphanet 178464, Orphanet 34521, MedGen C1863599, MONDO:0011362, OMIM 603689.

Allele frequency attached by ClinVar (database versions not stated): gnomAD exomes below 0.00001 and 0.00001; ExAC 0.00001; TOPMed 0.00002; gnomAD 0.00003.
gnomAD v4.1: 11 of 1,613,562 alleles (0.00068%); highest among the groups gnomAD compares: Non-Finnish European, 0.00093%; no homozygotes.

Submissions (2):

Fulgent Genetics
Classification: Uncertain significance for Tibial muscular dystrophy; Myopathy, myofibrillar, 9, with early respiratory failure; Dilated cardiomyopathy 1G; Autosomal recessive limb-girdle muscular dystrophy type 2J; Early-onset myopathy with fatal cardiomyopathy; Hypertrophic cardiomyopathy 9. Last evaluated: 2021-08-13. Review status: criteria provided, single submitter. Criteria: ACMG Guidelines, 2015. Collection method: clinical testing. Allele origin: unknown.

Labcorp Genetics (formerly Invitae), Labcorp
Classification: Uncertain significance for Dilated cardiomyopathy 1G; Limb-girdle muscular dystrophy, type 2J. Last evaluated: 2018-04-05. Review status: criteria provided, single submitter. Criteria: Invitae Variant Classification Sherloc (09022015). Collection method: clinical testing. Allele origin: germline.
Comment: This sequence change replaces serine with arginine at codon 32066 of the TTN protein (p.Ser32066Arg). There is a moderate physicochemical difference between serine and arginine. This variant is present in population databases (rs747323263, ExAC 0.001%). This variant has not been reported in the literature in individuals with TTN-related disease. This variant identified in the TTN gene is located in the A band of the resulting protein (PMID: 25589632). It is unclear how this variant impacts the function of this protein. Algorithms developed to predict the effect of sequence changes on RNA splicing suggest that this variant may create or strengthen a splice site, but this prediction has not been confirmed by published transcriptional studies. Algorithms developed to predict the effect of missense changes on protein structure and function are unavailable for the TTN gene. In summary, the available evidence is currently insufficient to determine the role of this variant in disease. Therefore, it has been classified as a Variant of Uncertain Significance.

Literature cited by the submitters: PubMed 25589632 (cited by Labcorp Genetics (formerly Invitae), Labcorp).